The following is an entry in ClinVar:

NM_147127.5(EVC2):c.1739del (p.Phe580fs)

Gene: EVC2 (EvC ciliary complex subunit 2; minus strand). Cytogenetic location: 4p16.2.
Variant type: Deletion.
Coding change: c.1739del on transcript NM_147127.5 (MANE Select); coding-DNA position 1739, one base deleted (T; older notation c.1739delT).
Protein change: p.Phe580fs; shifts the reading frame from phenylalanine 580.
Molecular consequence: frameshift variant.
Genome position (GRCh38, 1-based): chr4:5,628,706, A deleted on the plus strand (T on the coding strand, the reverse complement: EVC2 is on the minus strand); the first of 5 consecutive A bases (chr4:5,628,706-5,628,710); deleting any one gives the same sequence. VCF-style (leftmost placement, unchanged base first): chr4-5628705-GA-G. GRCh37 (hg19) VCF-style: chr4-5630432-GA-G.
Other names: c.1499del, p.Phe500fs (NM_001166136.2); short protein forms F500fs, F580fs.
Identifiers: ClinVar variation 3382800 (VCV003382800.2).

ClinVar aggregate classification (germline): Pathogenic (1 of 4 stars; one submission).

Conditions:
Ellis-van Creveld syndrome (EVC). Also called: MESOECTODERMAL DYSPLASIA; Chondroectodermal dysplasia; EVC-Related Ellis-van Creveld Syndrome; EVC2-Related Ellis-van Creveld Syndrome. Identifiers: Orphanet 289, MedGen C0013903, MONDO:0009162, OMIM 225500.

Submission:

Juno Genomics, Hangzhou Juno Genomics, Inc
Classification: Pathogenic for Ellis-van Creveld syndrome. Review status: criteria provided, single submitter. Criteria: ACMG Guidelines, 2015. Collection method: clinical testing. Allele origin: germline. Affected: yes.
Comment: Absent from controls (or at extremely low frequency if recessive) in Genome Aggregation Database, Exome Sequencing Project, 1000 Genomes Project, or Exome Aggregation Consortium.;Null variant in a gene where loss of function (LOF) is a known mechanism of disease.;Patient's phenotype or family history is highly specific for a disease with a single genetic etiology.